The following is an entry in ClinVar:

ClinVar aggregate classification (germline): Pathogenic/Likely pathogenic. Review status: criteria provided, multiple submitters, no conflicts (2 of 4 stars). 7 submissions from 7 submitters: Pathogenic (6); Likely pathogenic (1). Last evaluated 2026-04-09.

Conditions:
Neurofibromatosis, type 1 (NF1). Also called: VON RECKLINGHAUSEN DISEASE; Peripheral type neurofibromatosis; Neurofibromatosis, type I; NEUROFIBROMATOSIS, TYPE I, SOMATIC. Identifiers: MONDO:0018975, OMIM 162200, Orphanet 636, MedGen C0027831. Disease mechanism: loss of function.
Hereditary cancer-predisposing syndrome. Also called: Tumor predisposition; Neoplastic Syndromes, Hereditary; Hereditary Cancer Syndrome; Hereditary neoplastic syndrome. Identifiers: Orphanet 140162, MedGen C0027672, MeSH D009386, MONDO:0015356.
Cardiovascular phenotype. Identifiers: MedGen CN230736.

Submissions (7):

Ambry Genetics
Classification: Pathogenic for Cardiovascular phenotype; Hereditary cancer-predisposing syndrome. Last evaluated: 2026-04-09. Review status: criteria provided, single submitter. Criteria: Ambry Variant Classification Scheme 2023. Collection method: clinical testing. Allele origin: germline.
Comment: The c.731-2A>G intronic pathogenic mutation results from an A to G substitution two nucleotides upstream from coding exon 8 in the NF1 gene. Alterations that disrupt the canonical splice site are expected to result in aberrant splicing. In silico splice site analysis predicts that this alteration will weaken the native splice acceptor site and will result in the creation or strengthening of a novel splice acceptor site. The resulting transcript is predicted to be in-frame and is not expected to trigger nonsense-mediated mRNAdecay; however, direct evidence is unavailable. The exact functional effect of the altered amino acid sequence is unknown; however, the impacted region is critical for protein function (Ambry internal data). This variant was reported in multiple individuals who met clinical criteria for neurofibromatosis type 1 (NF1) (Ambry internal data; Kluwe L et al. J Med Genet, 2003 May;40:368-71). Other alterations at this canonical splice site (c.731-1G>T, c.731-1G>A, c.731-1G>C and c.731-2A>C) have been identified in patients meeting clinical criteria for a diagnosis of NF1 (Pros E et al. Hum Mutat. 2008 Sep;29:E173-93; Leskel&auml; HV et al. Bone. 2009 Feb;44:243-50; Hutter S et al. Hum Genet. 2016 May;135:469-475; Zhu G et al. Orphanet J Rare Dis. 2019 09;14:221). This variant is considered to be rare based on population cohorts in the Genome Aggregation Database (gnomAD). This nucleotide position is highly conserved in available vertebrate species. Based on the supporting evidence, this variant is interpreted as a disease-causing mutation.

Labcorp Genetics (formerly Invitae), Labcorp
Classification: Pathogenic for Neurofibromatosis, type 1. Last evaluated: 2025-09-10. Review status: criteria provided, single submitter. Criteria: Invitae Variant Classification Sherloc (09022015). Collection method: clinical testing. Allele origin: germline.
Comment: This sequence change affects an acceptor splice site in intron 7 of the NF1 gene. It is expected to disrupt RNA splicing. Variants that disrupt the donor or acceptor splice site typically lead to a loss of protein function (PMID: 16199547), and loss-of-function variants in NF1 are known to be pathogenic (PMID: 10712197, 23913538). This variant is not present in population databases (gnomAD no frequency). Disruption of this splice site has been observed in individuals with neurofibromatosis type 1 and a diagnosis or suspicion of neurofibromatosis type 1 (PMID: 12746402, 18546366, 19061981). It has also been observed to segregate with disease in related individuals. Invitae Evidence Modeling of clinical and family history, age, sex, and reported ancestry of multiple individuals with this NF1 variant has been performed. This variant is expected to be pathogenic with a positive predictive value of at least 99%. This is a validated machine learning model that incorporates the clinical features of 1,785,918 individuals referred to our laboratory for NF1 testing. This variant is also known as IVS5-2A>G. ClinVar contains an entry for this variant (Variation ID: 805084). Algorithms developed to predict the effect of sequence changes on RNA splicing suggest that this variant may disrupt the consensus splice site. For these reasons, this variant has been classified as Pathogenic.

Mayo Clinic Laboratories, Mayo Clinic
Classification: Pathogenic. Last evaluated: 2025-03-07. Review status: criteria provided, single submitter. Criteria: ACMG Guidelines, 2015. Collection method: clinical testing. Allele origin: germline. Observed: 1 variant allele.
Comment: PP3, PP4, PM2_supporting, PVS1

GeneDx
Classification: Likely pathogenic. Last evaluated: 2024-12-16. Review status: criteria provided, single submitter. Criteria: GeneDx Variant Classification Process June 2021. Collection method: clinical testing. Allele origin: germline. Affected: yes.
Comment: Canonical splice site variant predicted to result in an in-frame loss of the adjacent exon in a gene for which loss of function is a known mechanism of disease; Not observed at significant frequency in large population cohorts (gnomAD); Also known as IVS5-2A>G; This variant is associated with the following publications: (PMID: 21906157, 12746402)

CeGaT Center for Human Genetics Tuebingen
Classification: Pathogenic. Last evaluated: 2022-08-01. Review status: criteria provided, single submitter. Criteria: CeGaT Center For Human Genetics Tuebingen Variant Classification Criteria Version 2. Collection method: clinical testing. Allele origin: germline. Affected: yes. Observed: 1 variant allele.
Comment: NF1: PVS1, PM2, PP4

Genome-Nilou Lab
Classification: Pathogenic for Neurofibromatosis, type 1. Last evaluated: 2022-03-15. Review status: criteria provided, single submitter. Criteria: ACMG Guidelines, 2015. Collection method: clinical testing. Allele origin: germline. Affected: no.

Athena Diagnostics
Classification: Pathogenic. Last evaluated: 2019-02-14. Review status: criteria provided, single submitter. Criteria: Athena Diagnostics Criteria. Collection method: clinical testing. Allele origin: germline.
Comment: The variant disrupts a canonical splice site, and is therefore predicted to result in the loss of a functional protein. Found in at least one symptomatic patient, and not found in general population data.

Literature cited by the submitters: PubMed 12746402 (cited by 4 submitters); PubMed 16199547 (cited by Labcorp Genetics (formerly Invitae), Labcorp); PubMed 10712197 (cited by Labcorp Genetics (formerly Invitae), Labcorp); PubMed 23913538 (cited by Labcorp Genetics (formerly Invitae), Labcorp); PubMed 18546366 (cited by Labcorp Genetics (formerly Invitae), Labcorp); PubMed 19061981 (cited by Labcorp Genetics (formerly Invitae), Labcorp).

NM_001042492.3(NF1):c.731-2A>G

Gene: NF1 (neurofibromin 1; plus strand). Cytogenetic location: 17q11.2.
Variant type: single nucleotide variant.
Coding change: c.731-2A>G on transcript NM_001042492.3 (MANE Select); the canonical splice acceptor site of the intron before coding-DNA position 731, A replaced by G.
Molecular consequence: splice acceptor variant.
Genome position (GRCh38, 1-based): chr17:31,182,506, A>G. VCF-style: chr17-31182506-A-G. GRCh37 (hg19) VCF-style: chr17-29509524-A-G.
Other names: c.731-2A>G (NM_000267.4, NM_001128147.3).
Identifiers: ClinVar variation 805084 (VCV000805084.40), dbSNP rs1555608924, ClinGen allele CA398990434.